The following is an entry in ClinVar:

ClinVar aggregate classification (germline): Uncertain significance (1 of 4 stars; one submission).

Conditions:
Myopathy, centronuclear, 2 (CNM2). Also called: MYOTUBULAR MYOPATHY, AUTOSOMAL RECESSIVE. Identifiers: Orphanet 169186, MedGen CN031787, MONDO:0009709, OMIM 255200.

Allele frequency attached by ClinVar (database versions not stated): gnomAD 0.00016 and 0.00017; ESP Exome Variant Server 0.00023; TOPMed 0.00017.
gnomAD v4.1: 54 of 1,613,986 alleles (0.0033%); highest among the groups gnomAD compares: African/African-American, 0.052%; 1 homozygote.

Submission:

Labcorp Genetics (formerly Invitae), Labcorp
Classification: Uncertain significance for Myopathy, centronuclear, 2. Last evaluated: 2025-07-18. Review status: criteria provided, single submitter. Criteria: Invitae Variant Classification Sherloc (09022015). Collection method: clinical testing. Allele origin: germline.
Comment: This sequence change replaces valine, which is neutral and non-polar, with methionine, which is neutral and non-polar, at codon 494 of the BIN1 protein (p.Val494Met). This variant is present in population databases (rs144459969, gnomAD 0.05%). This variant has not been reported in the literature in individuals affected with BIN1-related conditions. ClinVar contains an entry for this variant (Variation ID: 998626). Invitae Evidence Modeling of protein sequence and biophysical properties (such as structural, functional, and spatial information, amino acid conservation, physicochemical variation, residue mobility, and thermodynamic stability) indicates that this missense variant is not expected to disrupt BIN1 protein function with a negative predictive value of 80%. In summary, the available evidence is currently insufficient to determine the role of this variant in disease. Therefore, it has been classified as a Variant of Uncertain Significance.

NM_139343.3(BIN1):c.1480G>A (p.Val494Met)

Gene: BIN1 (bridging integrator 1; minus strand). Cytogenetic location: 2q14.3.
Variant type: single nucleotide variant.
Coding change: c.1480G>A on transcript NM_139343.3 (MANE Select); coding-DNA position 1480, G replaced by A.
Protein change: p.Val494Met; replaces valine 494 with methionine.
Molecular consequence: missense variant.
Genome position (GRCh38, 1-based): chr2:127,050,894, C>T on the plus strand (G>A on the coding strand, the complement: BIN1 is on the minus strand). VCF-style: chr2-127050894-C-T. GRCh37 (hg19) VCF-style: chr2-127808470-C-T.
Other names: c.973G>A, p.Val325Met (NM_001320632.2); c.1111G>A, p.Val371Met (NM_001320633.2); c.856G>A, p.Val286Met (NM_001320634.1); c.1240G>A, p.Val414Met (NM_001320640.2); c.1387G>A, p.Val463Met (NM_001320641.2); c.1399G>A, p.Val467Met (NM_001320642.1); c.1063G>A, p.Val355Met (NM_004305.4); c.1351G>A, p.Val451Met (NM_139344.3); and 7 more; short protein forms V286M, V310M, V325M, V340M, V355M, V371M, V376M, V383M.
Identifiers: ClinVar variation 998626 (VCV000998626.6), dbSNP rs144459969, ClinGen allele CA1857020.